The following is an entry in ClinVar:

NM_007335.4(DLEC1):c.5150G>A (p.Ser1717Asn)

Gene: DLEC1 (DLEC1 cilia and flagella associated protein; plus strand). Cytogenetic location: 3p22.2.
Variant type: single nucleotide variant.
Coding change: c.5150G>A on transcript NM_007335.4 (MANE Select); coding-DNA position 5150, G replaced by A.
Protein change: p.Ser1717Asn; replaces serine 1717 with asparagine.
Molecular consequence: missense variant.
Genome position (GRCh38, 1-based): chr3:38,122,294, G>A. VCF-style: chr3-38122294-G-A. GRCh37 (hg19) VCF-style: chr3-38163785-G-A.
Other names: c.5159G>A, p.Ser1720Asn (NM_001321153.2); c.5150G>A, p.Ser1717Asn (NM_005106.2); c.5026G>A, p.Val1676Met (NM_007337.4); short protein forms S1717N, S1720N, V1676M.
Identifiers: ClinVar variation 2653667 (VCV002653667.24), dbSNP rs151322214, ClinGen allele CA2315418.

ClinVar aggregate classification (germline): Likely benign (1 of 4 stars; one submission).

Allele frequency attached by ClinVar (database versions not stated): 1000 Genomes Project 0.00040; 1000 Genomes Project 30x 0.00094; ExAC 0.00219; gnomAD 0.00266; TOPMed 0.00290; ESP Exome Variant Server 0.00369; gnomAD exomes 0.00435.
gnomAD v4.1: 6,689 of 1,612,412 alleles (0.41%); highest among the groups gnomAD compares: Non-Finnish European, 0.53%; 26 homozygotes.

Submission:

CeGaT Center for Human Genetics Tuebingen
Classification: Likely benign. Last evaluated: 2022-12-01. Review status: criteria provided, single submitter. Criteria: CeGaT Center For Human Genetics Tuebingen Variant Classification Criteria Version 2. Collection method: clinical testing. Allele origin: germline. Affected: yes. Observed: 2 variant alleles.
Comment: DLEC1: BP4, BS2